The following is an entry in ClinVar:

NM_000112.4(SLC26A2):c.1745G>T (p.Arg582Leu)

Gene: SLC26A2 (solute carrier family 26 member 2; plus strand). Cytogenetic location: 5q32.
Variant type: single nucleotide variant.
Coding change: c.1745G>T on transcript NM_000112.4 (MANE Select); coding-DNA position 1745, G replaced by T.
Protein change: p.Arg582Leu; replaces arginine 582 with leucine.
Molecular consequence: missense variant.
Genome position (GRCh38, 1-based): chr5:149,981,338, G>T. VCF-style: chr5-149981338-G-T. GRCh37 (hg19) VCF-style: chr5-149360901-G-T.
Other names: short protein forms R582L.
Identifiers: ClinVar variation 4789991 (VCV004789991.1).

ClinVar aggregate classification (germline): Uncertain significance (1 of 4 stars; one submission).

Conditions:
Multiple epiphyseal dysplasia type 4 (EDM4). Also called: SLC26A2-Related Multiple Epiphyseal Dysplasia; Multiple Epiphyseal Dysplasia, Recessive; MULTIPLE EPIPHYSEAL DYSPLASIA WITH BILAYERED PATELLAE; MULTIPLE EPIPHYSEAL DYSPLASIA WITH CLUBFOOT; MULTIPLE EPIPHYSEAL DYSPLASIA, AUTOSOMAL RECESSIVE. Identifiers: Orphanet 93307, MedGen C1847593, MONDO:0009189, OMIM 226900.
Diastrophic dysplasia (DTD). Also called: Diastrophic dwarfism. Identifiers: Orphanet 628, MedGen C0220726, MONDO:0009107, OMIM 222600.
Achondrogenesis, type IB (ACG1B). Also called: Achondrogenesis Type 1B. Identifiers: Orphanet 932, Orphanet 93298, MedGen C0265274, MONDO:0010966, OMIM 600972.
Atelosteogenesis type II (AO2). Also called: NEONATAL OSSEOUS DYSPLASIA I; Neonatal osseous dysplasia 1; SLC26A2-Related Atelosteogenesis. Identifiers: Orphanet 56304, MedGen C1850554, MONDO:0009727, OMIM 256050.

gnomAD v4.1: 2 of 1,613,946 alleles (0.00012%); highest among the groups gnomAD compares: African/African-American, 0.0027%; no homozygotes.

Submission:

Labcorp Genetics (formerly Invitae), Labcorp
Classification: Uncertain significance for Atelosteogenesis type II; Multiple epiphyseal dysplasia type 4; Achondrogenesis, type IB; Diastrophic dysplasia. Last evaluated: 2025-05-30. Review status: criteria provided, single submitter. Criteria: Invitae Variant Classification Sherloc (09022015). Collection method: clinical testing. Allele origin: germline.
Comment: This sequence change replaces arginine, which is basic and polar, with leucine, which is neutral and non-polar, at codon 582 of the SLC26A2 protein (p.Arg582Leu). This variant is not present in population databases (gnomAD no frequency). This variant has not been reported in the literature in individuals affected with SLC26A2-related conditions. Invitae Evidence Modeling of protein sequence and biophysical properties (such as structural, functional, and spatial information, amino acid conservation, physicochemical variation, residue mobility, and thermodynamic stability) indicates that this missense variant is expected to disrupt SLC26A2 protein function with a positive predictive value of 80%. In summary, the available evidence is currently insufficient to determine the role of this variant in disease. Therefore, it has been classified as a Variant of Uncertain Significance.